The following is an entry in ClinVar:

NM_020975.6(RET):c.919T>C (p.Ser307Pro)

Gene: RET (ret proto-oncogene; plus strand). Cytogenetic location: 10q11.21.
Variant type: single nucleotide variant.
Coding change: c.919T>C on transcript NM_020975.6 (MANE Select); coding-DNA position 919, T replaced by C.
Protein change: p.Ser307Pro; replaces serine 307 with proline.
Molecular consequence: missense variant. On other transcripts: intron variant (25).
Genome position (GRCh38, 1-based): chr10:43,106,427, T>C. VCF-style: chr10-43106427-T-C. GRCh37 (hg19) VCF-style: chr10-43601875-T-C.
Other names: c.919T>C, p.Ser307Pro (NM_000323.2, NM_001406743.1, NM_001406744.1 and 6 more transcripts); c.157T>C, p.Ser53Pro (NM_001355216.2); c.790T>C, p.Ser264Pro (NM_001406761.1, NM_001406762.1, NM_001406764.1 and 1 more transcripts); c.631T>C, p.Ser211Pro (NM_001406766.1, NM_001406767.1, NM_001406770.1); c.625+3798T>C (NM_001406779.1, NM_001406781.1, NM_001406787.1 and 3 more transcripts); c.738+1234T>C (NM_001406774.1); c.496+3798T>C (NM_001406786.1, NM_001406783.1); c.338-2604T>C (NM_001406778.1, NM_001406775.1, NM_001406776.1 and 1 more transcripts); and 5 more; short protein forms S264P, S307P, S211P, S53P.
Identifiers: ClinVar variation 2760659 (VCV002760659.3), dbSNP rs2538403152, ClinGen allele CA376545898.

ClinVar aggregate classification (germline): Uncertain significance (1 of 4 stars; one submission).

Conditions:
Multiple endocrine neoplasia, type 2 (MEN2). Identifiers: Orphanet 653, MedGen C4048306, MONDO:0019003. Disease mechanism: gain of function.

Submission:

Labcorp Genetics (formerly Invitae), Labcorp
Classification: Uncertain significance for Multiple endocrine neoplasia, type 2. Last evaluated: 2023-09-14. Review status: criteria provided, single submitter. Criteria: Invitae Variant Classification Sherloc (09022015). Collection method: clinical testing. Allele origin: germline.
Comment: An algorithm developed to predict the effect of missense changes on protein structure and function (PolyPhen-2) suggests that this variant is likely to be disruptive. In summary, the available evidence is currently insufficient to determine the role of this variant in disease. Therefore, it has been classified as a Variant of Uncertain Significance. This variant has not been reported in the literature in individuals affected with RET-related conditions. This variant is not present in population databases (gnomAD no frequency). This sequence change replaces serine, which is neutral and polar, with proline, which is neutral and non-polar, at codon 307 of the RET protein (p.Ser307Pro).